The following is an entry in ClinVar:

ClinVar aggregate classification (germline): Pathogenic. Review status: criteria provided, multiple submitters, no conflicts (2 of 4 stars). 2 submissions from 2 submitters: Pathogenic (2). Last evaluated 2025-12-17.

Conditions:
Epidermolysis bullosa simplex 7, with nephropathy and deafness. Also called: Nephropathy with Pretibial Epidermolysis Bullosa and Deafness; Nephrotic syndrome - deafness - pretibial epidermolysis bullosa syndrome. Identifiers: Orphanet 300333, MedGen C1836823, MONDO:0012190, OMIM 609057.

gnomAD v4.1: 1 of 1,612,464 alleles (0.000062%); no homozygotes.

Submissions (2):

Dasa
Classification: Pathogenic. Last evaluated: 2025-12-17. Review status: criteria provided, single submitter. Criteria: DASA Assertion Criteria. Collection method: clinical testing. Allele origin: germline.
Comment: NM_004357.5(CD151):c.19A>T (p.Lys7*) introduces a premature stop codon leading to predicted loss of function. Loss-of-function is an established mechanism of disease for this gene, with reports in individuals with epidermolysis bullosa simplex with nephropathy and deafness. Based on the available data, this variant is classified as pathogenic.

Equipe Genetique des Anomalies du Developpement, Université de Bourgogne
Classification: Pathogenic for Epidermolysis bullosa simplex 7, with nephropathy and deafness. Last evaluated: 2020-06-24. Review status: criteria provided, single submitter. Criteria: ACMG Guidelines, 2015. Collection method: clinical testing. Allele origin: paternal. Inheritance: Autosomal recessive inheritance. Affected: yes.
Comment: This variant was observed in compound heterozygosity with variant NM_001039490.1:c.621_629delCTGCATCAC

NM_004357.5(CD151):c.19A>T (p.Lys7Ter)

Gene: CD151 (CD151 molecule (Raph blood group); plus strand). Cytogenetic location: 11p15.5.
Variant type: single nucleotide variant.
Coding change: c.19A>T on transcript NM_004357.5 (MANE Select); coding-DNA position 19, A replaced by T.
Protein change: p.Lys7Ter; replaces lysine 7 with a stop codon.
Molecular consequence: nonsense.
Genome position (GRCh38, 1-based): chr11:836,088, A>T. VCF-style: chr11-836088-A-T. GRCh37 (hg19) VCF-style: chr11-836088-A-T.
Other names: c.19A>T, p.Lys7Ter (NM_001039490.2, NM_139029.2, NM_139030.4); short protein forms K7*.
Identifiers: ClinVar variation 982562 (VCV000982562.3), dbSNP rs1846753757, ClinGen allele CA378992683.